The following is an entry in ClinVar:

NM_016938.5(EFEMP2):c.110C>T (p.Thr37Met)

Gene: EFEMP2 (EGF-like fibulin extracellular matrix protein 2; minus strand). Cytogenetic location: 11q13.1.
Variant type: single nucleotide variant.
Coding change: c.110C>T on transcript NM_016938.5 (MANE Select); coding-DNA position 110, C replaced by T.
Protein change: p.Thr37Met; replaces threonine 37 with methionine.
Molecular consequence: missense variant. On other transcripts: non-coding transcript variant (1).
Genome position (GRCh38, 1-based): chr11:65,872,245, G>A on the plus strand (C>T on the coding strand, the complement: EFEMP2 is on the minus strand). VCF-style: chr11-65872245-G-A. GRCh37 (hg19) VCF-style: chr11-65639716-G-A.
Other names: short protein forms T37M.
Identifiers: ClinVar variation 472809 (VCV000472809.10), dbSNP rs921412303, ClinGen allele CA223979273.

ClinVar aggregate classification (germline): Uncertain significance. Review status: criteria provided, multiple submitters, no conflicts (2 of 4 stars). 2 submissions from 2 submitters: Uncertain significance (2). Last evaluated 2025-06-16.

Conditions:
Cardiovascular phenotype. Identifiers: MedGen CN230736.
Cutis laxa, autosomal recessive, type 1B (ARCL1B). Also called: CUTIS LAXA, AUTOSOMAL RECESSIVE, TYPE IB; EFEMP2-Related Cutis Laxa. Identifiers: Orphanet 90349, MedGen C3280798, MONDO:0013754, OMIM 614437. Disease mechanism: loss of function.

Allele frequency attached by ClinVar (database versions not stated): gnomAD 0.00001; gnomAD exomes 0.00001; TOPMed 0.00002.
gnomAD v4.1: 11 of 1,551,058 alleles (0.00071%); highest among the groups gnomAD compares: African/African-American, 0.011%; no homozygotes.

Submissions (2):

Ambry Genetics
Classification: Uncertain significance for Cardiovascular phenotype. Last evaluated: 2025-06-16. Review status: criteria provided, single submitter. Criteria: Ambry Variant Classification Scheme 2023. Collection method: clinical testing. Allele origin: germline.
Comment: The p.T37M variant (also known as c.110C>T), located in coding exon 1 of the EFEMP2 gene, results from a C to T substitution at nucleotide position 110. The threonine at codon 37 is replaced by methionine, an amino acid with similar properties. This amino acid position is conserved. In addition, the in silico prediction for this alteration is inconclusive. Since supporting evidence is limited at this time, the clinical significance of this alteration remains unclear.

Labcorp Genetics (formerly Invitae), Labcorp
Classification: Uncertain significance for Cutis laxa, autosomal recessive, type 1B. Last evaluated: 2024-11-02. Review status: criteria provided, single submitter. Criteria: Invitae Variant Classification Sherloc (09022015). Collection method: clinical testing. Allele origin: germline.
Comment: This sequence change replaces threonine, which is neutral and polar, with methionine, which is neutral and non-polar, at codon 37 of the EFEMP2 protein (p.Thr37Met). The frequency data for this variant in the population databases is considered unreliable, as metrics indicate poor data quality at this position in the gnomAD database. This variant has not been reported in the literature in individuals affected with EFEMP2-related conditions. ClinVar contains an entry for this variant (Variation ID: 472809). Invitae Evidence Modeling of protein sequence and biophysical properties (such as structural, functional, and spatial information, amino acid conservation, physicochemical variation, residue mobility, and thermodynamic stability) indicates that this missense variant is not expected to disrupt EFEMP2 protein function with a negative predictive value of 95%. In summary, the available evidence is currently insufficient to determine the role of this variant in disease. Therefore, it has been classified as a Variant of Uncertain Significance.